The following is an entry in ClinVar:

ClinVar aggregate classification (germline): Uncertain significance. Review status: criteria provided, multiple submitters, no conflicts (2 of 4 stars). 3 submissions from 3 submitters: Uncertain significance (3). Last evaluated 2025-04-26.

Conditions:
Hyperkalemic periodic paralysis. Also called: Gamstorp disease; Familial hyperkalemic periodic paralysis. Identifiers: Orphanet 682, MedGen C0238357, MONDO:0008224, OMIM 170500, HP:0007215.

Allele frequency attached by ClinVar (database versions not stated): gnomAD exomes 0.00002; gnomAD 0.00003; TOPMed 0.00003.
gnomAD v4.1: 34 of 1,611,386 alleles (0.0021%); highest among the groups gnomAD compares: Admixed American, 0.0033%; no homozygotes.

Submissions (3):

Labcorp Genetics (formerly Invitae), Labcorp
Classification: Uncertain significance for Hyperkalemic periodic paralysis. Last evaluated: 2025-04-26. Review status: criteria provided, single submitter. Criteria: Invitae Variant Classification Sherloc (09022015). Collection method: clinical testing. Allele origin: germline.
Comment: This sequence change replaces arginine, which is basic and polar, with glutamine, which is neutral and polar, at codon 1059 of the SCN4A protein (p.Arg1059Gln). This variant is present in population databases (rs749433088, gnomAD 0.008%). This variant has not been reported in the literature in individuals affected with SCN4A-related conditions. ClinVar contains an entry for this variant (Variation ID: 477413). Invitae Evidence Modeling of protein sequence and biophysical properties (such as structural, functional, and spatial information, amino acid conservation, physicochemical variation, residue mobility, and thermodynamic stability) indicates that this missense variant is not expected to disrupt SCN4A protein function with a negative predictive value of 95%. In summary, the available evidence is currently insufficient to determine the role of this variant in disease. Therefore, it has been classified as a Variant of Uncertain Significance.

Athena Diagnostics
Classification: Uncertain significance. Last evaluated: 2024-02-28. Review status: criteria provided, single submitter. Criteria: Athena Diagnostics Criteria. Collection method: clinical testing. Allele origin: unknown.
Comment: Available data are insufficient to determine the clinical significance of the variant at this time. The frequency of this variant in the general population is higher than would generally be expected for pathogenic variants in this gene. Computational tools predict that this variant is not damaging.

Revvity Omics, Revvity
Classification: Uncertain significance. Last evaluated: 2020-07-28. Review status: criteria provided, single submitter. Criteria: ACMG Guidelines, 2015. Collection method: clinical testing. Allele origin: germline.

NM_000334.4(SCN4A):c.3176G>A (p.Arg1059Gln)

Genes: GH-LCR (growth hormone locus control region; plus strand), SCN4A (sodium voltage-gated channel alpha subunit 4; minus strand). Cytogenetic location: 17q23.3.
Variant type: single nucleotide variant.
Coding change: c.3176G>A on transcript NM_000334.4 (MANE Select); coding-DNA position 3176, G replaced by A.
Protein change: p.Arg1059Gln; replaces arginine 1059 with glutamine.
Molecular consequence: missense variant.
Genome position (GRCh38, 1-based): chr17:63,948,032, C>T on the plus strand (G>A on the coding strand, the complement: SCN4A is on the minus strand). VCF-style: chr17-63948032-C-T. GRCh37 (hg19) VCF-style: chr17-62025392-C-T.
Other names: short protein forms R1059Q.
Identifiers: ClinVar variation 477413 (VCV000477413.11), dbSNP rs749433088, ClinGen allele CA8709356.
Genomic context (GRCh38, chr17:63,948,032, plus strand): 5'-TCCATGATGAAGATGTAGGTGAAGACCTTGTCGGCATATTCTAGGATGGTGCGAATGACT[C>T]GCCGCTGCTCAATGTAGATGTCCTCGAAGGCCTGGGGGCACCAGCACCACCAGGGTGGCT-3'
Protein context (NP_000325.4, residues 1049-1069): AFEDIYIEQR[Arg1059Gln]VIRTILEYAD